The following is an entry in ClinVar:

NM_182961.4(SYNE1):c.17698C>G (p.Gln5900Glu)

Gene: SYNE1 (spectrin repeat containing nuclear envelope protein 1; minus strand). Cytogenetic location: 6q25.2.
Variant type: single nucleotide variant.
Coding change: c.17698C>G on transcript NM_182961.4 (MANE Select); coding-DNA position 17698, C replaced by G.
Protein change: p.Gln5900Glu; replaces glutamine 5900 with glutamic acid.
Molecular consequence: missense variant.
Genome position (GRCh38, 1-based): chr6:152,294,112, G>C on the plus strand (C>G on the coding strand, the complement: SYNE1 is on the minus strand). VCF-style: chr6-152294112-G-C. GRCh37 (hg19) VCF-style: chr6-152615247-G-C.
Other names: c.17485C>G, p.Gln5829Glu (NM_033071.5); short protein forms Q5829E, Q5900E.
Identifiers: ClinVar variation 1982509 (VCV001982509.4), dbSNP rs768976585, ClinGen allele CA4055141.

ClinVar aggregate classification (germline): Uncertain significance (1 of 4 stars; one submission).

Conditions:
Emery-Dreifuss muscular dystrophy 4, autosomal dominant (EDMD4). Also called: EMERY-DREIFUSS MUSCULAR DYSTROPHY 4 WITH VARIABLE FEATURES. Identifiers: Orphanet 261, MedGen C2751807, MONDO:0013071, OMIM 612998.
Autosomal recessive ataxia, Beauce type. Also called: SYNE1 Deficiency; Spinocerebellar ataxia, autosomal recessive 8; ATAXIA, RECESSIVE, OF BEAUCE; SYNE1-Related Autosomal Recessive Cerebellar Ataxia. Identifiers: Orphanet 88644, MedGen C1853116, MONDO:0012549, OMIM 610743.

Allele frequency attached by ClinVar (database versions not stated): gnomAD exomes below 0.00001; ExAC 0.00001; gnomAD 0.00001; TOPMed 0.00002.
gnomAD v4.1: 2 of 1,613,408 alleles (0.00012%); highest among the groups gnomAD compares: African/African-American, 0.0027%; no homozygotes.

Submission:

Labcorp Genetics (formerly Invitae), Labcorp
Classification: Uncertain significance for Emery-Dreifuss muscular dystrophy 4, autosomal dominant; Autosomal recessive ataxia, Beauce type. Last evaluated: 2022-08-01. Review status: criteria provided, single submitter. Criteria: Invitae Variant Classification Sherloc (09022015). Collection method: clinical testing. Allele origin: germline.
Comment: Algorithms developed to predict the effect of missense changes on protein structure and function are either unavailable or do not agree on the potential impact of this missense change (SIFT: "Deleterious"; PolyPhen-2: "Benign"; Align-GVGD: "Class C25"). In summary, the available evidence is currently insufficient to determine the role of this variant in disease. Therefore, it has been classified as a Variant of Uncertain Significance. This variant has not been reported in the literature in individuals affected with SYNE1-related conditions. This sequence change replaces glutamine, which is neutral and polar, with glutamic acid, which is acidic and polar, at codon 5829 of the SYNE1 protein (p.Gln5829Glu). This variant is present in population databases (rs768976585, gnomAD 0.007%).